The following is an entry in ClinVar:

ClinVar aggregate classification (germline): Uncertain significance (1 of 4 stars; one submission).

Conditions:
Ataxia-telangiectasia syndrome (AT). Also called: LOUIS-BAR SYNDROME; Cerebello-oculocutaneous telangiectasia; Immunodeficiency with ataxia telangiectasia; Ataxia telangiectasia (A-T); Ataxia-telangiectasia, complementation group D; AT, COMPLEMENTATION GROUP C. Identifiers: Orphanet 100, MedGen C0004135, MONDO:0008840, OMIM 208900.

Submission:

Labcorp Genetics (formerly Invitae), Labcorp
Classification: Uncertain significance for Ataxia-telangiectasia syndrome. Last evaluated: 2023-09-03. Review status: criteria provided, single submitter. Criteria: Invitae Variant Classification Sherloc (09022015). Collection method: clinical testing. Allele origin: germline.
Comment: In summary, the available evidence is currently insufficient to determine the role of this variant in disease. Therefore, it has been classified as a Variant of Uncertain Significance. Algorithms developed to predict the effect of sequence changes on RNA splicing suggest that this variant may disrupt the consensus splice site. This variant has not been reported in the literature in individuals affected with ATM-related conditions. This variant is not present in population databases (gnomAD no frequency). This sequence change falls in intron 39 of the ATM gene. It does not directly change the encoded amino acid sequence of the ATM protein.

NM_000051.4(ATM):c.5919-16T>C

Genes: ATM (ATM serine/threonine kinase; plus strand), C11orf65 (chromosome 11 open reading frame 65; minus strand). Cytogenetic location: 11q22.3.
Variant type: single nucleotide variant.
Coding change: c.5919-16T>C on transcript NM_000051.4 (MANE Select); 16 bases into the intron before coding-DNA position 5919, T replaced by C.
Molecular consequence: intron variant.
Genome position (GRCh38, 1-based): chr11:108,312,395, T>C. VCF-style: chr11-108312395-T-C. GRCh37 (hg19) VCF-style: chr11-108183122-T-C.
Other names: c.5919-16T>C (NM_001351834.2); c.641-3324A>G (NM_001330368.2); c.*39-3324A>G (NM_001351110.2).
Identifiers: ClinVar variation 2796591 (VCV002796591.3), dbSNP rs2136057815, ClinGen allele CA2739270993.